The following is an entry in ClinVar:

ClinVar aggregate classification (germline): Conflicting classifications of pathogenicity. Review status: criteria provided, conflicting classifications (1 of 4 stars). 3 submissions from 3 submitters: Uncertain significance (2); Benign (1). Last evaluated 2026-06-25.

Conditions:
Polyps, multiple and recurrent inflammatory fibroid, gastrointestinal. Identifiers: MedGen C5193005, MONDO:0008285, OMIM 175510.
PDGFRA-related disorder. Also called: PDGFRA-related condition.

Allele frequency attached by ClinVar (database versions not stated): ExAC 0.00001; TOPMed 0.00002; gnomAD exomes 0.00004.
gnomAD v4.1: 69 of 1,613,884 alleles (0.0043%); highest among the groups gnomAD compares: Non-Finnish European, 0.0051%; no homozygotes.

Submissions (3):

PreventionGenetics, part of Exact Sciences
Classification: Uncertain significance for PDGFRA-related condition. Last evaluated: 2026-06-25. Review status: criteria provided, single submitter. Criteria: ACMG Guidelines, 2015. Collection method: clinical testing. Allele origin: germline.
Comment: The PDGFRA c.*5C>T variant is located in the 3' untranslated region. To our knowledge, this variant has not been reported in the literature. This variant is reported in 0.0039% of alleles in individuals of European (Non-Finnish) descent in gnomAD. This variant is interpreted as uncertain in ClinVar (Variation ID: 1707767). At this time, the clinical significance of this variant is uncertain due to the absence of conclusive functional and genetic evidence.

Myriad Genetics, Inc.
Classification: Benign for Polyps, multiple and recurrent inflammatory fibroid, gastrointestinal. Last evaluated: 2026-06-18. Review status: criteria provided, single submitter. Criteria: Myriad Autosomal Dominant, Autosomal Recessive and X-Linked Classification Criteria (2023). Collection method: clinical testing. Allele origin: unknown.
Comment: This variant is considered benign. This variant occurs in the non-coding 3' untranslated region of the gene, and is not expected to impact protein function.

GeneDx
Classification: Uncertain significance. Last evaluated: 2022-03-28. Review status: criteria provided, single submitter. Criteria: GeneDx Variant Classification Process June 2021. Collection method: clinical testing. Allele origin: germline. Affected: yes.
Comment: Not observed at significant frequency in large population cohorts (gnomAD); Nucleotide substitution has no predicted effect on splicing and is not conserved across species; Has not been previously published as pathogenic or benign to our knowledge

NM_006206.6(PDGFRA):c.*5C>T

Gene: PDGFRA (platelet derived growth factor receptor alpha; plus strand). Cytogenetic location: 4q12.
Variant type: single nucleotide variant.
Coding change: c.*5C>T on transcript NM_006206.6 (MANE Select); 5 bases downstream of the stop codon, C replaced by T.
Molecular consequence: 3 prime UTR variant.
Genome position (GRCh38, 1-based): chr4:54,295,277, C>T. VCF-style: chr4-54295277-C-T. GRCh37 (hg19) VCF-style: chr4-55161444-C-T.
Other names: c.*5C>T (NM_006206.5, NM_001347828.2, NM_001347829.2 and 1 more transcripts).
Identifiers: ClinVar variation 1707767 (VCV001707767.4), dbSNP rs755381639, ClinGen allele CA2923081.